The following is an entry in ClinVar:

ClinVar aggregate classification (germline): Likely benign. Review status: criteria provided, multiple submitters, no conflicts (2 of 4 stars). 2 submissions from 2 submitters: Likely benign (2). Last evaluated 2024-09-19.

Conditions:
Hereditary diffuse gastric adenocarcinoma (HDGC). Also called: DIFFUSE GASTRIC AND LOBULAR BREAST CANCER SYNDROME. Identifiers: Orphanet 26106, MedGen C1708349, MONDO:0007648, OMIM 137215.

Allele frequency attached by ClinVar (database versions not stated): TOPMed below 0.00001.

Submissions (2):

Myriad Genetics, Inc.
Classification: Likely benign for Hereditary diffuse gastric adenocarcinoma. Last evaluated: 2024-09-19. Review status: criteria provided, single submitter. Criteria: Myriad Autosomal Dominant, Autosomal Recessive and X-Linked Classification Criteria (2023). Collection method: clinical testing. Allele origin: unknown.
Comment: This variant is considered likely benign. This variant is intronic and is not expected to impact mRNA splicing.

Labcorp Genetics (formerly Invitae), Labcorp
Classification: Likely benign for Hereditary diffuse gastric adenocarcinoma. Last evaluated: 2024-04-06. Review status: criteria provided, single submitter. Criteria: Invitae Variant Classification Sherloc (09022015). Collection method: clinical testing. Allele origin: germline.

NM_004360.5(CDH1):c.1711+10C>A

Gene: CDH1 (cadherin 1; plus strand). Cytogenetic location: 16q22.1.
Variant type: single nucleotide variant.
Coding change: c.1711+10C>A on transcript NM_004360.5 (MANE Select); 10 bases into the intron after coding-DNA position 1711, C replaced by A.
Molecular consequence: intron variant.
Genome position (GRCh38, 1-based): chr16:68,819,435, C>A. VCF-style: chr16-68819435-C-A. GRCh37 (hg19) VCF-style: chr16-68853338-C-A.
Other names: c.163+10C>A (NM_001317185.2); c.-254-2566C>A (NM_001317186.2); c.1528+10C>A (NM_001317184.2).
Identifiers: ClinVar variation 1093982 (VCV001093982.10), dbSNP rs1264027031, ClinGen allele CA723137117.